The following is an entry in ClinVar:

ClinVar aggregate classification (germline): Likely benign (1 of 4 stars; one submission).

Allele frequency attached by ClinVar (database versions not stated): gnomAD 0.00001.
gnomAD v4.1: 1 of 1,611,072 alleles (0.000062%); highest among the groups gnomAD compares: African/African-American, 0.0013%; no homozygotes.

Submission:

CeGaT Center for Human Genetics Tuebingen
Classification: Likely benign. Last evaluated: 2025-07-01. Review status: criteria provided, single submitter. Criteria: CeGaT Center For Human Genetics Tuebingen Variant Classification Criteria Version 2. Collection method: clinical testing. Allele origin: germline. Affected: yes. Observed: 3 variant alleles.
Comment: HYDIN: BP4, BP7

NM_001270974.2(HYDIN):c.6945A>G (p.Lys2315=)

Gene: HYDIN (HYDIN axonemal central pair apparatus protein; minus strand). Cytogenetic location: 16q22.2.
Variant type: single nucleotide variant.
Coding change: c.6945A>G on transcript NM_001270974.2 (MANE Select); coding-DNA position 6945, A replaced by G.
Protein change: p.Lys2315=; no amino-acid change (lysine 2315 retained).
Molecular consequence: synonymous variant.
Genome position (GRCh38, 1-based): chr16:70,938,664, T>C on the plus strand (A>G on the coding strand, the complement: HYDIN is on the minus strand). VCF-style: chr16-70938664-T-C. GRCh37 (hg19) VCF-style: chr16-70972567-T-C.
Identifiers: ClinVar variation 2646749 (VCV002646749.24), dbSNP rs796284988, ClinGen allele CA283519297.